The following is an entry in ClinVar:

ClinVar aggregate classification (germline): Uncertain significance (1 of 4 stars; one submission).

Conditions:
Brachyolmia-amelogenesis imperfecta syndrome. Also called: Tooth agenesis, selective, 6; Dental anomalies and short stature; PLATYSPONDYLY WITH AMELOGENESIS IMPERFECTA. Identifiers: Orphanet 2899, MedGen C1832594, MONDO:0011018, OMIM 601216. Disease mechanism: loss of function.

Submission:

Labcorp Genetics (formerly Invitae), Labcorp
Classification: Uncertain significance for Brachyolmia-amelogenesis imperfecta syndrome. Last evaluated: 2025-03-06. Review status: criteria provided, single submitter. Criteria: Invitae Variant Classification Sherloc (09022015). Collection method: clinical testing. Allele origin: germline.
Comment: This sequence change replaces glutamine, which is neutral and polar, with histidine, which is basic and polar, at codon 887 of the LTBP3 protein (p.Gln887His). This variant is not present in population databases (gnomAD no frequency). This variant has not been reported in the literature in individuals affected with LTBP3-related conditions. An algorithm developed to predict the effect of missense changes on protein structure and function outputs the following: PolyPhen-2: "Benign". The histidine amino acid residue is found in multiple mammalian species, which suggests that this missense change does not adversely affect protein function. In summary, the available evidence is currently insufficient to determine the role of this variant in disease. Therefore, it has been classified as a Variant of Uncertain Significance.

NM_001130144.3(LTBP3):c.2661G>C (p.Gln887His)

Gene: LTBP3 (latent transforming growth factor beta binding protein 3; minus strand). Cytogenetic location: 11q13.1.
Variant type: single nucleotide variant.
Coding change: c.2661G>C on transcript NM_001130144.3 (MANE Select); coding-DNA position 2661, G replaced by C.
Protein change: p.Gln887His; replaces glutamine 887 with histidine.
Molecular consequence: missense variant.
Genome position (GRCh38, 1-based): chr11:65,541,664, C>G on the plus strand (G>C on the coding strand, the complement: LTBP3 is on the minus strand). VCF-style: chr11-65541664-C-G. GRCh37 (hg19) VCF-style: chr11-65309135-C-G.
Other names: c.2310G>C, p.Gln770His (NM_001164266.1); c.2661G>C, p.Gln887His (NM_021070.4); short protein forms Q770H, Q887H.
Identifiers: ClinVar variation 3701179 (VCV003701179.2).